The following is an entry in ClinVar:

ClinVar aggregate classification (germline): Uncertain significance (1 of 4 stars; one submission).

Allele frequency attached by ClinVar (database versions not stated): gnomAD exomes 0.00001; TOPMed 0.00003 and 0.00004; gnomAD 0.00001.

Submission:

GeneDx
Classification: Uncertain significance. Last evaluated: 2017-09-12. Review status: criteria provided, single submitter. Criteria: GeneDx Variant Classification (06012015). Collection method: clinical testing. Allele origin: germline. Affected: yes.
Comment: The c.1876-7delT variant in the KCNQ4 gene has not been reported previously as a pathogenic variant, nor as a benign variant, to our knowledge. This variant is predicted to damage the splice acceptor site in intron 13, and is expected to cause abnormal gene splicing. However, in the absence of RNA/functional studies, the actual effect of c.1876-7delT in this individual is unknown. The c.1876-7delT variant is not observed in large population cohorts (Lek et al., 2016; 1000 Genomes Consortium et al., 2015; Exome Variant Server). We interpret c.1876-7delT as a variant of uncertain significance.

NM_004700.4(KCNQ4):c.1876-7del

Gene: KCNQ4 (potassium voltage-gated channel subfamily Q member 4; plus strand). Cytogenetic location: 1p34.2.
Variant type: Deletion.
Coding change: c.1876-7del on transcript NM_004700.4 (MANE Select); 7 bases into the intron before coding-DNA position 1876, one base deleted (T; older notation c.1876-7delT).
Molecular consequence: intron variant.
Genome position (GRCh38, 1-based): chr1:40,838,304, T deleted. VCF-style (leftmost placement, unchanged base first): chr1-40838303-GT-G. GRCh37 (hg19) VCF-style: chr1-41303975-GT-G.
Other names: c.1714-7del (NM_172163.3).
Identifiers: ClinVar variation 451930 (VCV000451930.2), dbSNP rs1017902786, ClinGen allele CA21088560.